The following is an entry in ClinVar:

ClinVar aggregate classification (germline): Likely benign. Review status: criteria provided, multiple submitters, no conflicts (2 of 4 stars). 3 submissions from 3 submitters: Likely benign (2). 1 of the submissions does not count toward it. Last evaluated 2024-03-04.

Conditions:
RBP3-related disorder. Also called: RBP3-related condition.

Allele frequency attached by ClinVar (database versions not stated): TOPMed below 0.00001; gnomAD exomes 0.00002 and 0.00003; ExAC 0.00003.
gnomAD v4.1: 29 of 1,612,480 alleles (0.0018%); highest among the groups gnomAD compares: Non-Finnish European, 0.0025%; no homozygotes.

Submissions (3):

Blueprint Genetics
Classification: Likely benign. Last evaluated: 2024-03-04. Review status: criteria provided, single submitter. Criteria: ACMG Guidelines, 2015. Collection method: clinical testing. Allele origin: germline.

Labcorp Genetics (formerly Invitae), Labcorp
Classification: Likely benign. Last evaluated: 2023-08-28. Review status: criteria provided, single submitter. Criteria: Invitae Variant Classification Sherloc (09022015). Collection method: clinical testing. Allele origin: germline.

PreventionGenetics, part of Exact Sciences
Classification: Likely benign for RBP3-related condition. Last evaluated: 2019-12-31. Review status: no assertion criteria provided. Collection method: clinical testing. Allele origin: germline. Not counted in ClinVar's aggregate classification.
Comment: This variant is classified as likely benign based on ACMG/AMP sequence variant interpretation guidelines (Richards et al. 2015 PMID: 25741868, with internal and published modifications).

NM_002900.3(RBP3):c.1888C>T (p.Leu630=)

Gene: RBP3 (retinol binding protein 3; plus strand). Cytogenetic location: 10q11.22.
Variant type: single nucleotide variant.
Coding change: c.1888C>T on transcript NM_002900.3 (MANE Select); coding-DNA position 1888, C replaced by T.
Protein change: p.Leu630=; no amino-acid change (leucine 630 retained).
Molecular consequence: synonymous variant.
Genome position (GRCh38, 1-based): chr10:47,350,372, C>T. VCF-style: chr10-47350372-C-T. GRCh37 (hg19) VCF-style: chr10-48388990-G-A.
Other names: c.1888C>T (NM_002900.2).
Identifiers: ClinVar variation 1085223 (VCV001085223.12), dbSNP rs782085701, ClinGen allele CA5487404.